The following is an entry in ClinVar:

ClinVar aggregate classification (germline): Uncertain significance. Review status: criteria provided, multiple submitters, no conflicts (2 of 4 stars). 2 submissions from 2 submitters: Uncertain significance (2). Last evaluated 2026-06-20.

Conditions:
SPAG1-related disorder. Also called: SPAG1-related condition.
Primary ciliary dyskinesia 28. Also called: CILIARY DYSKINESIA, PRIMARY, 28, WITH OR WITHOUT SITUS INVERSUS. Identifiers: Orphanet 244, MedGen C3809706, MONDO:0014216, OMIM 615505.

Allele frequency attached by ClinVar (database versions not stated): ExAC 0.00001; gnomAD 0.00001; gnomAD exomes 0.00001 and 0.00002; TOPMed 0.00001.
gnomAD v4.1: 26 of 1,613,776 alleles (0.0016%); highest among the groups gnomAD compares: Non-Finnish European, 0.0021%; no homozygotes.

Submissions (2):

PreventionGenetics, part of Exact Sciences
Classification: Uncertain significance for SPAG1-related condition. Last evaluated: 2026-06-20. Review status: criteria provided, single submitter. Criteria: ACMG Guidelines, 2015. Collection method: clinical testing. Allele origin: germline.
Comment: The SPAG1 c.1762G>C variant is predicted to result in the amino acid substitution p.Ala588Pro. To our knowledge, this variant has not been reported in the literature. This variant is reported in 0.0018% of alleles in individuals of European (Non-Finnish) descent in gnomAD. At this time, the clinical significance of this variant is uncertain due to the absence of conclusive functional and genetic evidence.

Labcorp Genetics (formerly Invitae), Labcorp
Classification: Uncertain significance for Primary ciliary dyskinesia 28. Last evaluated: 2022-07-05. Review status: criteria provided, single submitter. Criteria: Invitae Variant Classification Sherloc (09022015). Collection method: clinical testing. Allele origin: germline.
Comment: This sequence change replaces alanine, which is neutral and non-polar, with proline, which is neutral and non-polar, at codon 588 of the SPAG1 protein (p.Ala588Pro). This variant is present in population databases (rs750270074, gnomAD 0.0009%). This variant has not been reported in the literature in individuals affected with SPAG1-related conditions. ClinVar contains an entry for this variant (Variation ID: 863241). Algorithms developed to predict the effect of missense changes on protein structure and function (SIFT, PolyPhen-2, Align-GVGD) all suggest that this variant is likely to be tolerated. In summary, the available evidence is currently insufficient to determine the role of this variant in disease. Therefore, it has been classified as a Variant of Uncertain Significance.

NM_003114.5(SPAG1):c.1762G>C (p.Ala588Pro)

Gene: SPAG1 (sperm associated antigen 1; plus strand). Cytogenetic location: 8q22.2.
Variant type: single nucleotide variant.
Coding change: c.1762G>C on transcript NM_003114.5 (MANE Select); coding-DNA position 1762, G replaced by C.
Protein change: p.Ala588Pro; replaces alanine 588 with proline.
Molecular consequence: missense variant.
Genome position (GRCh38, 1-based): chr8:100,225,246, G>C. VCF-style: chr8-100225246-G-C. GRCh37 (hg19) VCF-style: chr8-101237474-G-C.
Other names: c.1762G>C, p.Ala588Pro (NM_001374321.1, NM_172218.3); short protein forms A588P.
Identifiers: ClinVar variation 863241 (VCV000863241.8), dbSNP rs750270074, ClinGen allele CA4827590.